The following is an entry in ClinVar:

ClinVar aggregate classification (germline): Likely benign (1 of 4 stars; one submission).

Allele frequency attached by ClinVar (database versions not stated): gnomAD 0.00002; gnomAD exomes 0.00002; TOPMed 0.00002; ExAC 0.00005; 1000 Genomes Project 30x 0.00021; 1000 Genomes Project 0.00026.
gnomAD v4.1: 21 of 1,208,185 alleles (0.0017%); highest among the groups gnomAD compares: East Asian, 0.018%; no homozygotes.

Submission:

CeGaT Center for Human Genetics Tuebingen
Classification: Likely benign. Last evaluated: 2024-03-01. Review status: criteria provided, single submitter. Criteria: CeGaT Center For Human Genetics Tuebingen Variant Classification Criteria Version 2. Collection method: clinical testing. Allele origin: germline. Affected: yes. Observed: 1 variant allele.
Comment: DIAPH2: BP4

NM_006729.5(DIAPH2):c.1685C>T (p.Pro562Leu)

Gene: DIAPH2 (diaphanous related formin 2; plus strand). Cytogenetic location: Xq21.33.
Variant type: single nucleotide variant.
Coding change: c.1685C>T on transcript NM_006729.5 (MANE Select); coding-DNA position 1685, C replaced by T.
Protein change: p.Pro562Leu; replaces proline 562 with leucine.
Molecular consequence: missense variant.
Genome position (GRCh38, 1-based): chrX:96,957,898, C>T. VCF-style: chrX-96957898-C-T. GRCh37 (hg19) VCF-style: chrX-96212897-C-T.
Other names: c.1685C>T, p.Pro562Leu (NM_007309.4); short protein forms P562L.
Identifiers: ClinVar variation 3067431 (VCV003067431.21), dbSNP rs200278082, ClinGen allele CA10468276.